The following is an entry in ClinVar:

ClinVar aggregate classification (germline): Uncertain significance. Review status: criteria provided, multiple submitters, no conflicts (2 of 4 stars). 3 submissions from 3 submitters: Uncertain significance (3). Last evaluated 2022-10-17.

Conditions:
Inborn genetic diseases. Identifiers: MedGen C0950123, MeSH D030342.
Charcot-Marie-Tooth disease type 4. Also called: Charcot-Marie-Tooth, Type 4; Charcot-Marie-Tooth disease, type IV. Identifiers: Orphanet 64749, MedGen C4082197, MONDO:0018995.

Allele frequency attached by ClinVar (database versions not stated): gnomAD 0.00001; TOPMed 0.00004; ESP Exome Variant Server 0.00008.
gnomAD v4.1: 102 of 1,612,698 alleles (0.0063%); highest among the groups gnomAD compares: Non-Finnish European, 0.0075%; no homozygotes.

Submissions (3):

Labcorp Genetics (formerly Invitae), Labcorp
Classification: Uncertain significance for Charcot-Marie-Tooth disease type 4. Last evaluated: 2022-10-17. Review status: criteria provided, single submitter. Criteria: Invitae Variant Classification Sherloc (09022015). Collection method: clinical testing. Allele origin: germline.
Comment: This sequence change replaces threonine, which is neutral and polar, with alanine, which is neutral and non-polar, at codon 332 of the PRX protein (p.Thr332Ala). This variant is present in population databases (rs143710873, gnomAD 0.006%). This variant has not been reported in the literature in individuals affected with PRX-related conditions. ClinVar contains an entry for this variant (Variation ID: 216837). Algorithms developed to predict the effect of missense changes on protein structure and function (SIFT, PolyPhen-2, Align-GVGD) all suggest that this variant is likely to be tolerated. In summary, the available evidence is currently insufficient to determine the role of this variant in disease. Therefore, it has been classified as a Variant of Uncertain Significance.

Ambry Genetics
Classification: Uncertain significance for Inborn genetic diseases. Last evaluated: 2022-04-07. Review status: criteria provided, single submitter. Criteria: Ambry Variant Classification Scheme 2023. Collection method: clinical testing. Allele origin: germline.

ARUP Laboratories, Molecular Genetics and Genomics, ARUP Laboratories
Classification: Uncertain significance. Last evaluated: 2020-03-06. Review status: criteria provided, single submitter. Criteria: ARUP Molecular Germline Variant Investigation Process. Collection method: clinical testing. Allele origin: germline.
Comment: The PRX c.994A>G; p.Thr332Ala variant (rs143710873), to our knowledge, is not reported in the medical literature but is reported in ClinVar (Variation ID: 216837). This variant is found in the non-Finnish European population with an overall allele frequency of 0.007% (9/124700 alleles) in the Genome Aggregation Database. The threonine at codon 332 is moderately conserved, and computational analyses (SIFT, PolyPhen-2) predict that this variant is tolerated. However, due to limited information, the clinical significance of the p.Thr332Ala variant is uncertain at this time.

NM_181882.3(PRX):c.994A>G (p.Thr332Ala)

Gene: PRX (periaxin; minus strand). Cytogenetic location: 19q13.2.
Variant type: single nucleotide variant.
Coding change: c.994A>G on transcript NM_181882.3 (MANE Select); coding-DNA position 994, A replaced by G.
Protein change: p.Thr332Ala; replaces threonine 332 with alanine.
Molecular consequence: missense variant. On other transcripts: 3 prime UTR variant (1).
Genome position (GRCh38, 1-based): chr19:40,397,358, T>C on the plus strand (A>G on the coding strand, the complement: PRX is on the minus strand). VCF-style: chr19-40397358-T-C. GRCh37 (hg19) VCF-style: chr19-40903265-T-C.
Other names: c.*1199A>G (NM_020956.2); short protein forms T332A.
Identifiers: ClinVar variation 216837 (VCV000216837.17), dbSNP rs143710873, ClinGen allele CA336771.
Genomic context (GRCh38, chr19:40,397,358, plus strand): 5'-CAGGTGCCTCTCCCCGGGCCTCCACCTCTGCACCCGGCAAGGCCAGGTCCACCCCCACAG[T>C]CGGTGCTGCCACATCCAGGGTGGGCACCACTACCGACACAGCCCCTTCCCGGGTCTCTAG-3'
Protein context (NP_870998.2, residues 322-342): VVPTLDVAAP[Thr332Ala]VGVDLALPGA